The following is an entry in ClinVar:

NM_001242896.3(DEPDC5):c.1460G>A (p.Arg487Gln)

Gene: DEPDC5 (DEP domain containing 5, GATOR1 subcomplex subunit; plus strand). Cytogenetic location: 22q12.3.
Variant type: single nucleotide variant.
Coding change: c.1460G>A on transcript NM_001242896.3 (MANE Select); coding-DNA position 1460, G replaced by A.
Protein change: p.Arg487Gln; replaces arginine 487 with glutamine.
Molecular consequence: missense variant. On other transcripts: non-coding transcript variant (5).
Genome position (GRCh38, 1-based): chr22:31,815,006, G>A. VCF-style: chr22-31815006-G-A. GRCh37 (hg19) VCF-style: chr22-32210992-G-A.
Other names: p.Arg487Gln; c.1460G>A, p.Arg487Gln (NM_001007188.4, NM_001136029.4, NM_001242897.2 and 7 more transcripts); c.1376G>A, p.Arg459Gln (NM_001369901.1, NM_001369902.1); short protein forms R459Q, R487Q.
Identifiers: ClinVar variation 1300129 (VCV001300129.11), dbSNP rs775080915, ClinGen allele CA323315533.

ClinVar aggregate classification (germline): Uncertain significance. Review status: criteria provided, multiple submitters, no conflicts (2 of 4 stars). 5 submissions from 4 submitters: Uncertain significance (5). Last evaluated 2025-11-11.

Conditions:
Familial focal epilepsy with variable foci (FPEVF). Identifiers: Orphanet 98820, MedGen C1858477, MONDO:0020310.
Developmental and epileptic encephalopathy, 83. Also called: EPILEPTIC ENCEPHALOPATHY, EARLY INFANTILE, 83; BARAKAT-PERENTHALER SYNDROME. Identifiers: MedGen C5231487, MONDO:0032895, OMIM 618744.
Epilepsy, familial focal, with variable foci 1 (FFEVF1). Also called: DEPDC5-Related Epilepsy. Identifiers: MedGen C4551983, MONDO:0024556, OMIM 604364.

Allele frequency attached by ClinVar (database versions not stated): TOPMed below 0.00001; gnomAD 0.00001.
gnomAD v4.1: 20 of 1,613,966 alleles (0.0012%); highest among the groups gnomAD compares: South Asian, 0.0066%; no homozygotes.

Submissions (5):

Women's Health and Genetics/Laboratory Corporation of America, LabCorp
Classification: Uncertain significance. Last evaluated: 2025-11-11. Review status: criteria provided, single submitter. Criteria: LabCorp Variant Classification Summary - May 2015. Collection method: clinical testing. Allele origin: germline.
Comment: Variant summary: DEPDC5 c.1460G>A (p.Arg487Gln) results in a conservative amino acid change in the encoded protein sequence. Algorithms developed to predict the effect of missense changes on protein structure and function are either unavailable or do not agree on the potential impact of this missense change. The variant allele was found at a frequency of 1.2e-05 in 249320 control chromosomes. The available data on variant occurrences in the general population are insufficient to allow any conclusion about variant significance. To our knowledge, no occurrence of c.1460G>A in individuals affected with DEPDC5-related conditions and no experimental evidence demonstrating its impact on protein function have been reported. ClinVar contains an entry for this variant (Variation ID: 1300129). Based on the evidence outlined above, the variant was classified as uncertain significance.

Labcorp Genetics (formerly Invitae), Labcorp
Classification: Uncertain significance for Familial focal epilepsy with variable foci. Last evaluated: 2024-02-22. Review status: criteria provided, single submitter. Criteria: Invitae Variant Classification Sherloc (09022015). Collection method: clinical testing. Allele origin: germline.
Comment: This sequence change replaces arginine, which is basic and polar, with glutamine, which is neutral and polar, at codon 487 of the DEPDC5 protein (p.Arg487Gln). This variant is present in population databases (rs775080915, gnomAD 0.01%). This variant has not been reported in the literature in individuals affected with DEPDC5-related conditions. ClinVar contains an entry for this variant (Variation ID: 1300129). Algorithms developed to predict the effect of missense changes on protein structure and function output the following: SIFT: "Not Available"; PolyPhen-2: "Not Available"; Align-GVGD: "Not Available". The glutamine amino acid residue is found in multiple mammalian species, which suggests that this missense change does not adversely affect protein function. In summary, the available evidence is currently insufficient to determine the role of this variant in disease. Therefore, it has been classified as a Variant of Uncertain Significance.

Neuberg Centre For Genomic Medicine, NCGM
Classification: Uncertain significance for Epilepsy, familial focal, with variable foci 1. Last evaluated: 2023-06-22. Review status: criteria provided, single submitter. Criteria: ACMG Guidelines, 2015. Collection method: clinical testing. Allele origin: germline. Inheritance: Autosomal dominant inheritance. Affected: yes.
Comment: The missense c.1460G>A (p.Arg487Gln) variant in the DEPDC5 gene has not been reported previously as a pathogenic variant nor as a benign variant, to our knowledge. This variant is reported with the allele frequency (0.001%) in the gnomAD Exomes. This variant has been reported to the ClinVar database as Uncertain Significance. However, no details are available for independent assessment. The amino acid Arginine at position 487 is changed to a Glutamine changing protein sequence and it might alter its composition and physico-chemical properties. Computational evidence (Polyphen - Benign, SIFT - Tolerated and MutationTaster - Disease causing) predicts conflicting evidence on protein structure and function for this variant. The amino acid Arginine in DEPDC5 is predicted as conserved by GERP++ and PhyloP across 100 vertebrates. For these reasons, this variant has been classified as Uncertain Significance.

Foundation for Research in Genetics and Endocrinology, FRIGE's Institute of Human Genetics
Classification: Uncertain significance for Epilepsy, familial focal, with variable foci 1. Last evaluated: 2021-04-07. Review status: criteria provided, single submitter. Criteria: ACMG Guidelines, 2015. Collection method: research. Allele origin: maternal. Inheritance: Autosomal dominant inheritance. Affected: yes. Observed: 1 heterozygote.
Comment: A heterozygous missense variation in exon 20 of the DEPDC5 gene that results in the amino acid substitution of Glutamine for Arginine at codon 487 was detected. The observed variant c.1460G>A (p.Arg487Gln) has not been reported in the 1000 genomes but is seen at a minor allele frequency of 0.0012% in the gnomAD databases. The in silico prediction of the variant are damaging by DANN and MutationTaster2. The reference codon is conserved across species. In summary, the variant meets our criteria to be classified as a variant of uncertain significance according to the ACMG-AMP classification system and ClinGen framework.

Foundation for Research in Genetics and Endocrinology, FRIGE's Institute of Human Genetics
Classification: Uncertain significance for Developmental and epileptic encephalopathy, 83. Review status: criteria provided, single submitter. Criteria: ACMG Guidelines, 2015. Collection method: clinical testing. Allele origin: germline. Inheritance: Autosomal dominant inheritance. Affected: yes. Observed: 1 heterozygote.
Comment: Heterozygous missense variation in exon 21 of DEPDC5 gene that result in te amino acid substitution of glutamine for arginine at codon 487 was detected. The variant has not been reported in the 1000 genome database. The in silico prediction of the variant is benign by PolyPhen-2 (HumDiv), SIFT, LRT and MutationTaster2. The reference codon is conserved across species. In summary, the variant meets our criteria to be classified as a variant of uncertain significance.